The following is an entry in ClinVar:

ClinVar aggregate classification (germline): Uncertain significance (1 of 4 stars; one submission).

Conditions:
Distal myopathy with posterior leg and anterior hand involvement. Also called: WILLIAMS DISTAL MYOPATHY. Identifiers: Orphanet 63273, MedGen C3279722, MONDO:0013550, OMIM 614065.
Myofibrillar myopathy 5. Also called: FILAMINOPATHY, AUTOSOMAL DOMINANT; Filaminopathy (type). Identifiers: Orphanet 171445, MedGen C1836050, MONDO:0012289, OMIM 609524.
Hypertrophic cardiomyopathy 26. Also called: Cardiomyopathy, familial hypertrophic, 26. Identifiers: Orphanet 75249, MedGen C4310749, MONDO:0014883, OMIM 617047.

Submission:

Labcorp Genetics (formerly Invitae), Labcorp
Classification: Uncertain significance for Distal myopathy with posterior leg and anterior hand involvement; Myofibrillar myopathy 5; Hypertrophic cardiomyopathy 26. Last evaluated: 2020-07-29. Review status: criteria provided, single submitter. Criteria: Invitae Variant Classification Sherloc (09022015). Collection method: clinical testing. Allele origin: germline.
Comment: In summary, the available evidence is currently insufficient to determine the role of this variant in disease. Therefore, it has been classified as a Variant of Uncertain Significance. Algorithms developed to predict the effect of missense changes on protein structure and function are either unavailable or do not agree on the potential impact of this missense change (SIFT: "Deleterious"; PolyPhen-2: "Possibly Damaging"; Align-GVGD: "Class C0"). This variant has not been reported in the literature in individuals with FLNC-related disease. This variant is not present in population databases (ExAC no frequency). This sequence change replaces leucine with proline at codon 57 of the FLNC protein (p.Leu57Pro). The leucine residue is weakly conserved and there is a moderate physicochemical difference between leucine and proline.

NM_001458.5(FLNC):c.170T>C (p.Leu57Pro)

Gene: FLNC (filamin C; plus strand). Cytogenetic location: 7q32.1.
Variant type: single nucleotide variant.
Coding change: c.170T>C on transcript NM_001458.5 (MANE Select); coding-DNA position 170, T replaced by C.
Protein change: p.Leu57Pro; replaces leucine 57 with proline.
Molecular consequence: missense variant.
Genome position (GRCh38, 1-based): chr7:128,830,807, T>C. VCF-style: chr7-128830807-T-C. GRCh37 (hg19) VCF-style: chr7-128470861-T-C.
Other names: c.170T>C, p.Leu57Pro (NM_001127487.2); short protein forms L57P.
Identifiers: ClinVar variation 641844 (VCV000641844.9), dbSNP rs1585147774, ClinGen allele CA369216183.